The following is an entry in ClinVar:

ClinVar aggregate classification (germline): Uncertain significance (1 of 4 stars; one submission).

Conditions:
COL4A3-related disorder. Also called: COL4A3-related condition; COL4A3-Related Disorders.

gnomAD v4.1: 2 of 1,526,852 alleles (0.00013%); highest among the groups gnomAD compares: African/African-American, 0.0014%; no homozygotes.

Submission:

PreventionGenetics, part of Exact Sciences
Classification: Uncertain significance for COL4A3-related condition. Last evaluated: 2025-08-07. Review status: criteria provided, single submitter. Criteria: ACMG Guidelines, 2015. Collection method: clinical testing. Allele origin: germline.
Comment: The COL4A3 c.23G>A variant is predicted to result in the amino acid substitution p.Arg8Lys. To our knowledge, this variant has not been reported in the literature or in a large population database (gnomAD), indicating this variant is rare. At this time, the clinical significance of this variant is uncertain due to the absence of conclusive functional and genetic evidence.

NM_000091.5(COL4A3):c.23G>A (p.Arg8Lys)

Genes: COL4A3 (collagen type IV alpha 3 chain; plus strand), LOC129935730 (ATAC-STARR-seq lymphoblastoid silent region 12397; plus strand). Cytogenetic location: 2q36.3.
Variant type: single nucleotide variant.
Coding change: c.23G>A on transcript NM_000091.5 (MANE Select); coding-DNA position 23, G replaced by A.
Protein change: p.Arg8Lys; replaces arginine 8 with lysine.
Molecular consequence: missense variant.
Genome position (GRCh38, 1-based): chr2:227,164,749, G>A. VCF-style: chr2-227164749-G-A. GRCh37 (hg19) VCF-style: chr2-228029465-G-A.
Other names: short protein forms R8K.
Identifiers: ClinVar variation 4983727 (VCV004983727.1).